The following is an entry in ClinVar:

NM_003239.5(TGFB3):c.268G>A (p.Gly90Ser)

Gene: TGFB3 (transforming growth factor beta 3; minus strand). Cytogenetic location: 14q24.3.
Variant type: single nucleotide variant.
Coding change: c.268G>A on transcript NM_003239.5 (MANE Select); coding-DNA position 268, G replaced by A.
Protein change: p.Gly90Ser; replaces glycine 90 with serine.
Molecular consequence: missense variant.
Genome position (GRCh38, 1-based): chr14:75,980,626, C>T on the plus strand (G>A on the coding strand, the complement: TGFB3 is on the minus strand). VCF-style: chr14-75980626-C-T. GRCh37 (hg19) VCF-style: chr14-76446969-C-T.
Other names: c.268G>A, p.Gly90Ser (NM_001329938.2, NM_001329939.2); short protein forms G90S.
Identifiers: ClinVar variation 1948824 (VCV001948824.5), dbSNP rs1158295068, ClinGen allele CA390471154.

ClinVar aggregate classification (germline): Uncertain significance (1 of 4 stars; one submission).

Conditions:
Rienhoff syndrome. Also called: LOEYS-DIETZ SYNDROME 5. Identifiers: MedGen C3810012, MONDO:0014262, OMIM 615582.

Allele frequency attached by ClinVar (database versions not stated): TOPMed below 0.00001.

Submission:

Labcorp Genetics (formerly Invitae), Labcorp
Classification: Uncertain significance for Rienhoff syndrome. Last evaluated: 2024-09-13. Review status: criteria provided, single submitter. Criteria: Invitae Variant Classification Sherloc (09022015). Collection method: clinical testing. Allele origin: germline.
Comment: This sequence change replaces glycine, which is neutral and non-polar, with serine, which is neutral and polar, at codon 90 of the TGFB3 protein (p.Gly90Ser). This variant is not present in population databases (gnomAD no frequency). This variant has not been reported in the literature in individuals affected with TGFB3-related conditions. ClinVar contains an entry for this variant (Variation ID: 1948824). An algorithm developed to predict the effect of missense changes on protein structure and function outputs the following: PolyPhen-2: "Benign". The serine amino acid residue is found in multiple mammalian species, which suggests that this missense change does not adversely affect protein function. In summary, the available evidence is currently insufficient to determine the role of this variant in disease. Therefore, it has been classified as a Variant of Uncertain Significance.